The following is an entry in ClinVar:

NM_206933.4(USH2A):c.5278del (p.Asp1760fs)

Genes: USH2A-AS2 (USH2A antisense RNA 2; plus strand), USH2A (usherin; minus strand). Cytogenetic location: 1q41.
Variant type: Deletion.
Coding change: c.5278del on transcript NM_206933.4 (MANE Select); coding-DNA position 5278, one base deleted (G; older notation c.5278delG).
Protein change: p.Asp1760fs; shifts the reading frame from aspartic acid 1760.
Molecular consequence: frameshift variant.
Genome position (GRCh38, 1-based): chr1:216,083,476, C deleted on the plus strand (G on the coding strand, the reverse complement: USH2A is on the minus strand). VCF-style (leftmost placement, unchanged base first): chr1-216083475-TC-T. GRCh37 (hg19) VCF-style: chr1-216256817-TC-T.
Other names: c.5278del (NM_206933.2); short protein forms D1760fs.
Identifiers: ClinVar variation 555362 (VCV000555362.19), dbSNP rs754374132, ClinGen allele CA1395492.

ClinVar aggregate classification (germline): Pathogenic/Likely pathogenic. Review status: criteria provided, multiple submitters, no conflicts (2 of 4 stars). 9 submissions from 8 submitters: Pathogenic (6); Likely pathogenic (2). 1 of the submissions does not count toward it. Last evaluated 2025-10-14.

Conditions:
USH2A-related disorder. Also called: USH2A-related disorders; USH2A-related condition. Identifiers: MedGen CN239332.
Usher syndrome type 2A. Also called: RETINAL DISEASE IN USHER SYNDROME TYPE IIA, MODIFIER OF; USHER SYNDROME, TYPE IIA. Identifiers: Orphanet 231178, Orphanet 886, MedGen C1848634, MONDO:0010169, OMIM 276901.
Retinitis pigmentosa 39 (RP39). Identifiers: Orphanet 791, MedGen C3151138, MONDO:0013436, OMIM 613809.

Allele frequency attached by ClinVar (database versions not stated): gnomAD 0.00001; gnomAD exomes 0.00001 and 0.00002; ExAC 0.00002; TOPMed 0.00002.

Submissions (9):

Labcorp Genetics (formerly Invitae), Labcorp
Classification: Pathogenic. Last evaluated: 2025-10-14. Review status: criteria provided, single submitter. Criteria: Invitae Variant Classification Sherloc (09022015). Collection method: clinical testing. Allele origin: germline.
Comment: This sequence change creates a premature translational stop signal (p.Asp1760Metfs*10) in the USH2A gene. It is expected to result in an absent or disrupted protein product. Loss-of-function variants in USH2A are known to be pathogenic (PMID: 10729113, 10909849, 20507924, 25649381). This variant is present in population databases (rs754374132, gnomAD 0.02%). This premature translational stop signal has been observed in individual(s) with USH2A-related conditions (PMID: 22004887, 25404053, 26969326). ClinVar contains an entry for this variant (Variation ID: 555362). Algorithms developed to predict the effect of sequence changes on RNA splicing suggest that this variant may disrupt the consensus splice site. For these reasons, this variant has been classified as Pathogenic.

GeneDx
Classification: Pathogenic. Last evaluated: 2024-07-08. Review status: criteria provided, single submitter. Criteria: GeneDx Variant Classification Process June 2021. Collection method: clinical testing. Allele origin: germline.
Comment: Frameshift variant predicted to result in protein truncation or nonsense mediated decay in a gene for which loss of function is a known mechanism of disease; This variant is associated with the following publications: (PMID: 30337596, 25404053, 32037395, 30459346, 26969326, 35266249, 31964843, 38347443, 22004887)

Natera, Inc.
Classification: Pathogenic for Usher syndrome type 2A. Last evaluated: 2024-04-10. Review status: criteria provided, single submitter. Criteria: Natera Variant Classification Schema (03/2026). Collection method: clinical testing. Allele origin: germline.
Comment: The c.5278delG variant in USH2A is a frameshift variant predicted to shift the reading frame beginning at codon 1760 and leads to a stop codon 10 codons downstream. This variant is expected to result in nonsense mediated decay, truncation, or a dysfunctional protein product. This variant is rare in the general population with a frequency below the threshold expected for the associated phenotype(s). This variant has been observed in one or more individuals affected with the associated recessive disease, as either homozygous or compound heterozygous with a second variant (PMID: 25404053). Given the available evidence, this variant is classified as Pathogenic.

Genome-Nilou Lab
Classification: Likely pathogenic for Retinitis pigmentosa 39. Last evaluated: 2023-11-04. Review status: criteria provided, single submitter. Criteria: ACMG Guidelines, 2015. Collection method: clinical testing. Allele origin: germline. Affected: no.

Genome-Nilou Lab
Classification: Likely pathogenic for Usher syndrome type 2A. Last evaluated: 2023-11-04. Review status: criteria provided, single submitter. Criteria: ACMG Guidelines, 2015. Collection method: clinical testing. Allele origin: germline. Affected: no.

Baylor Genetics
Classification: Pathogenic for Retinitis pigmentosa 39. Last evaluated: 2022-08-26. Review status: criteria provided, single submitter. Criteria: ACMG Guidelines, 2015. Collection method: clinical testing. Allele origin: unknown.

Blueprint Genetics
Classification: Pathogenic for USH2A-related disorders. Last evaluated: 2021-06-04. Review status: criteria provided, single submitter. Criteria: ACMG Guidelines, 2015. Collection method: clinical testing. Allele origin: germline. Affected: yes. Observed: 5 variant alleles.

Mendelics
Classification: Pathogenic for Usher syndrome type 2A. Last evaluated: 2019-05-28. Review status: criteria provided, single submitter. Criteria: Mendelics Assertion Criteria 2017. Collection method: clinical testing. Allele origin: unknown.

Counsyl
Classification: Likely pathogenic for Usher syndrome type 2A; Retinitis pigmentosa 39. Last evaluated: 2017-12-07. Review status: no assertion criteria provided. Collection method: clinical testing. Allele origin: unknown. Not counted in ClinVar's aggregate classification.

Literature cited by the submitters: PubMed 10729113 (cited by Labcorp Genetics (formerly Invitae), Labcorp); PubMed 10909849 (cited by Labcorp Genetics (formerly Invitae), Labcorp); PubMed 20507924 (cited by Labcorp Genetics (formerly Invitae), Labcorp); PubMed 25649381 (cited by Labcorp Genetics (formerly Invitae), Labcorp); PubMed 22004887 (cited by Labcorp Genetics (formerly Invitae), Labcorp and Counsyl); PubMed 25404053 (cited by 3 submitters); PubMed 26969326 (cited by Labcorp Genetics (formerly Invitae), Labcorp and Counsyl).